The following is an entry in ClinVar:

ClinVar aggregate classification (germline): Uncertain significance (1 of 4 stars; one submission).

gnomAD v4.1: 1 of 1,591,320 alleles (0.000063%); highest among the groups gnomAD compares: Non-Finnish European, 0.000086%; no homozygotes.

Submission:

Labcorp Genetics (formerly Invitae), Labcorp
Classification: Uncertain significance. Last evaluated: 2024-04-15. Review status: criteria provided, single submitter. Criteria: Invitae Variant Classification Sherloc (09022015). Collection method: clinical testing. Allele origin: germline.
Comment: This sequence change replaces tyrosine, which is neutral and polar, with cysteine, which is neutral and slightly polar, at codon 695 of the MYSM1 protein (p.Tyr695Cys). This variant is not present in population databases (gnomAD no frequency). This variant has not been reported in the literature in individuals affected with MYSM1-related conditions. Advanced modeling of protein sequence and biophysical properties (such as structural, functional, and spatial information, amino acid conservation, physicochemical variation, residue mobility, and thermodynamic stability) performed at Invitae indicates that this missense variant is expected to disrupt MYSM1 protein function with a positive predictive value of 80%. In summary, the available evidence is currently insufficient to determine the role of this variant in disease. Therefore, it has been classified as a Variant of Uncertain Significance.

NM_001085487.3(MYSM1):c.2084A>G (p.Tyr695Cys)

Gene: MYSM1 (Myb like, SWIRM and MPN domains 1; minus strand). Cytogenetic location: 1p32.1.
Variant type: single nucleotide variant.
Coding change: c.2084A>G on transcript NM_001085487.3 (MANE Select); coding-DNA position 2084, A replaced by G.
Protein change: p.Tyr695Cys; replaces tyrosine 695 with cysteine.
Molecular consequence: missense variant.
Genome position (GRCh38, 1-based): chr1:58,665,579, T>C on the plus strand (A>G on the coding strand, the complement: MYSM1 is on the minus strand). VCF-style: chr1-58665579-T-C. GRCh37 (hg19) VCF-style: chr1-59131251-T-C.
Other names: short protein forms Y695C.
Identifiers: ClinVar variation 3687992 (VCV003687992.2).
Genomic context (GRCh38, chr1:58,665,579, plus strand): 5'-ATTTCCTCACTTATAACCAGGCAGGTAATCTGAGAATATGGTAAGGGATTATTTCGATTA[T>C]AGGGACTAACAATCATCCCAATGAACTTTGCACCTCCTCTGGAGAAGTAACTCTACAATG-3'
Protein context (NP_001078956.1, residues 685-705): AKFIGMIVSP[Tyr695Cys]NRNNPLPYSQ